The following is an entry in ClinVar:

ClinVar aggregate classification (germline): Uncertain significance (1 of 4 stars; one submission).

Allele frequency attached by ClinVar (database versions not stated): gnomAD exomes 0.00001; ExAC 0.00002; TOPMed 0.00003; gnomAD 0.00004.
gnomAD v4.1: 18 of 1,614,006 alleles (0.0011%); highest among the groups gnomAD compares: African/African-American, 0.008%; no homozygotes.

Submission:

Labcorp Genetics (formerly Invitae), Labcorp
Classification: Uncertain significance. Last evaluated: 2022-04-18. Review status: criteria provided, single submitter. Criteria: Invitae Variant Classification Sherloc (09022015). Collection method: clinical testing. Allele origin: germline.
Comment: In summary, the available evidence is currently insufficient to determine the role of this variant in disease. Therefore, it has been classified as a Variant of Uncertain Significance. Algorithms developed to predict the effect of missense changes on protein structure and function are either unavailable or do not agree on the potential impact of this missense change (SIFT: "Deleterious"; PolyPhen-2: "Benign"; Align-GVGD: "Class C0"). This missense change has been observed in individual(s) with retinitis pigmentosa (PMID: 16799052). This variant is present in population databases (rs776519099, gnomAD 0.003%). This sequence change replaces alanine, which is neutral and non-polar, with valine, which is neutral and non-polar, at codon 2328 of the PRPF8 protein (p.Ala2328Val).

Literature cited by the submitters: PubMed 16799052.

NM_006445.4(PRPF8):c.6983C>T (p.Ala2328Val)

Gene: PRPF8 (pre-mRNA processing factor 8; minus strand). Cytogenetic location: 17p13.3.
Variant type: single nucleotide variant.
Coding change: c.6983C>T on transcript NM_006445.4 (MANE Select); coding-DNA position 6983, C replaced by T.
Protein change: p.Ala2328Val; replaces alanine 2328 with valine.
Molecular consequence: missense variant.
Genome position (GRCh38, 1-based): chr17:1,650,827, G>A on the plus strand (C>T on the coding strand, the complement: PRPF8 is on the minus strand). VCF-style: chr17-1650827-G-A. GRCh37 (hg19) VCF-style: chr17-1554121-G-A.
Other names: short protein forms A2328V.
Identifiers: ClinVar variation 2137868 (VCV002137868.4), dbSNP rs776519099, ClinGen allele CA8271036.